The following is an entry in ClinVar:

ClinVar aggregate classification (germline): Uncertain significance (1 of 4 stars; one submission).

Conditions:
Gnathodiaphyseal dysplasia (GDD). Also called: GNATHODIAPHYSEAL SCLEROSIS; OSTEOGENESIS IMPERFECTA WITH UNUSUAL SKELETAL LESIONS. Identifiers: Orphanet 53697, MedGen C1833736, MONDO:0008151, OMIM 166260.
Autosomal recessive limb-girdle muscular dystrophy type 2L (LGMDR12). Also called: Limb-girdle muscular dystrophy, type 2L; MUSCULAR DYSTROPHY, LIMB-GIRDLE, AUTOSOMAL RECESSIVE 12; Limb-Girdle Muscular Dystrophy R12 Anoctamin-5-Related (LGMD-R12). Identifiers: Orphanet 206549, MedGen C1969785, MONDO:0012652, OMIM 611307.

Allele frequency attached by ClinVar (database versions not stated): TOPMed below 0.00001; gnomAD exomes 0.00001.
gnomAD v4.1: 7 of 1,613,576 alleles (0.00043%); highest among the groups gnomAD compares: East Asian, 0.0022%; no homozygotes.

Submission:

Labcorp Genetics (formerly Invitae), Labcorp
Classification: Uncertain significance for Autosomal recessive limb-girdle muscular dystrophy type 2L; Gnathodiaphyseal dysplasia. Last evaluated: 2024-09-19. Review status: criteria provided, single submitter. Criteria: Invitae Variant Classification Sherloc (09022015). Collection method: clinical testing. Allele origin: germline.
Comment: This sequence change replaces proline, which is neutral and non-polar, with leucine, which is neutral and non-polar, at codon 790 of the ANO5 protein (p.Pro790Leu). This variant is present in population databases (no rsID available, gnomAD 0.006%). This variant has not been reported in the literature in individuals affected with ANO5-related conditions. Invitae Evidence Modeling of protein sequence and biophysical properties (such as structural, functional, and spatial information, amino acid conservation, physicochemical variation, residue mobility, and thermodynamic stability) indicates that this missense variant is not expected to disrupt ANO5 protein function with a negative predictive value of 95%. In summary, the available evidence is currently insufficient to determine the role of this variant in disease. Therefore, it has been classified as a Variant of Uncertain Significance.

NM_213599.3(ANO5):c.2369C>T (p.Pro790Leu)

Gene: ANO5 (anoctamin 5; plus strand). Cytogenetic location: 11p14.3.
Variant type: single nucleotide variant.
Coding change: c.2369C>T on transcript NM_213599.3 (MANE Select); coding-DNA position 2369, C replaced by T.
Protein change: p.Pro790Leu; replaces proline 790 with leucine.
Molecular consequence: missense variant.
Genome position (GRCh38, 1-based): chr11:22,274,702, C>T. VCF-style: chr11-22274702-C-T. GRCh37 (hg19) VCF-style: chr11-22296248-C-T.
Other names: c.2366C>T, p.Pro789Leu (NM_001142649.2); c.2327C>T, p.Pro776Leu (NM_001410963.1); c.2324C>T, p.Pro775Leu (NM_001410964.1); short protein forms P790L, P775L, P776L, P789L.
Identifiers: ClinVar variation 2943615 (VCV002943615.3), dbSNP rs1195012434, ClinGen allele CA379924359.